The following is an entry in ClinVar:

ClinVar aggregate classification (germline): Likely benign (1 of 4 stars; one submission).

gnomAD v4.1: 380 of 398,456 alleles (0.095%); highest among the groups gnomAD compares: East Asian, 1.1%; 1 homozygote.

Submission:

CeGaT Center for Human Genetics Tuebingen
Classification: Likely benign. Last evaluated: 2024-09-01. Review status: criteria provided, single submitter. Criteria: CeGaT Center For Human Genetics Tuebingen Variant Classification Criteria Version 2. Collection method: clinical testing. Allele origin: germline. Affected: yes. Observed: 2 variant alleles.
Comment: KCNQ1OT1: BS1

NM_000218.3(KCNQ1):c.1394-1594C>T

Genes: KCNQ1 (potassium voltage-gated channel subfamily Q member 1; plus strand), KCNQ1OT1 (KCNQ1 opposite strand/antisense transcript 1; minus strand). Cytogenetic location: 11p15.5.
Variant type: single nucleotide variant.
Coding change: c.1394-1594C>T on transcript NM_000218.3 (MANE Select); 1594 bases into the intron before coding-DNA position 1394, C replaced by T.
Molecular consequence: intron variant. On other transcripts: non-coding transcript variant (1).
Genome position (GRCh38, 1-based): chr11:2,660,367, C>T. VCF-style: chr11-2660367-C-T. GRCh37 (hg19) VCF-style: chr11-2681597-C-T.
Other names: c.1124-1594C>T (NM_001406837.1); c.1298-1594C>T (NM_001406836.1); c.854-1594C>T (NM_001406838.1); c.1013-1594C>T (NM_181798.2).
Identifiers: ClinVar variation 3341926 (VCV003341926.16).